The following is an entry in ClinVar:

ClinVar aggregate classification (germline): Likely benign (1 of 4 stars; one submission).

Allele frequency attached by ClinVar (database versions not stated): 1000 Genomes Project 30x 0.00047; 1000 Genomes Project 0.00060.
gnomAD v4.1: 99 of 1,612,086 alleles (0.0061%); highest among the groups gnomAD compares: Middle Eastern, 0.066%; 1 homozygote.

Submission:

CeGaT Center for Human Genetics Tuebingen
Classification: Likely benign. Last evaluated: 2023-10-01. Review status: criteria provided, single submitter. Criteria: CeGaT Center For Human Genetics Tuebingen Variant Classification Criteria Version 2. Collection method: clinical testing. Allele origin: germline. Affected: yes. Observed: 1 variant allele.
Comment: CTBP1: PP2, BP4, BS1

NM_001012614.2(CTBP1):c.162+40G>A

Gene: CTBP1 (C-terminal binding protein 1; minus strand). Cytogenetic location: 4p16.3.
Variant type: single nucleotide variant.
Coding change: c.162+40G>A on transcript NM_001012614.2 (MANE Select); 40 bases into the intron after coding-DNA position 162, G replaced by A.
Molecular consequence: intron variant.
Genome position (GRCh38, 1-based): chr4:1,238,143, C>T on the plus strand (G>A on the coding strand, the complement: CTBP1 is on the minus strand). VCF-style: chr4-1238143-C-T. GRCh37 (hg19) VCF-style: chr4-1231931-C-T.
Other names: c.162+40G>A (NM_001377192.1, NM_001377189.1, NM_001377193.1 and 4 more transcripts); c.195+40G>A (NM_001328.3, NM_001377186.1).
Identifiers: ClinVar variation 2654558 (VCV002654558.24), dbSNP rs200024593, ClinGen allele CA2804575.